The following is an entry in ClinVar:

NM_000035.4(ALDOB):c.1033C>T (p.His345Tyr)

Gene: ALDOB (aldolase, fructose-bisphosphate B; minus strand). Cytogenetic location: 9q31.1.
Variant type: single nucleotide variant.
Coding change: c.1033C>T on transcript NM_000035.4 (MANE Select); coding-DNA position 1033, C replaced by T.
Protein change: p.His345Tyr; replaces histidine 345 with tyrosine.
Molecular consequence: missense variant.
Genome position (GRCh38, 1-based): chr9:101,421,871, G>A on the plus strand (C>T on the coding strand, the complement: ALDOB is on the minus strand). VCF-style: chr9-101421871-G-A. GRCh37 (hg19) VCF-style: chr9-104184153-G-A.
Other names: short protein forms H345Y.
Identifiers: ClinVar variation 3355301 (VCV003355301.1).

ClinVar aggregate classification (germline): Uncertain significance (0 of 4 stars; one submission).

Conditions:
ALDOB-related disorder. Also called: ALDOB-related condition.

gnomAD v4.1: 30 of 1,613,970 alleles (0.0019%); highest among the groups gnomAD compares: Non-Finnish European, 0.0025%; no homozygotes.

Submission:

PreventionGenetics, part of Exact Sciences
Classification: Uncertain significance for ALDOB-related condition. Last evaluated: 2024-04-16. Review status: no assertion criteria provided. Collection method: clinical testing. Allele origin: germline.
Comment: The ALDOB c.1033C>T variant is predicted to result in the amino acid substitution p.His345Tyr. To our knowledge, this variant has not been reported in the literature. This variant is reported in 0.0054% of alleles in individuals of East Asian descent in gnomAD. At this time, the clinical significance of this variant is uncertain due to the absence of conclusive functional and genetic evidence.